The following is an entry in ClinVar:

ClinVar aggregate classification (germline): Uncertain significance (1 of 4 stars; one submission).

Submission:

Labcorp Genetics (formerly Invitae), Labcorp
Classification: Uncertain significance. Last evaluated: 2023-02-02. Review status: criteria provided, single submitter. Criteria: Invitae Variant Classification Sherloc (09022015). Collection method: clinical testing. Allele origin: germline.
Comment: This sequence change replaces leucine, which is neutral and non-polar, with phenylalanine, which is neutral and non-polar, at codon 2114 of the CACNA1D protein (p.Leu2114Phe). This variant is not present in population databases (gnomAD no frequency). This variant has not been reported in the literature in individuals affected with CACNA1D-related conditions. Algorithms developed to predict the effect of missense changes on protein structure and function are either unavailable or do not agree on the potential impact of this missense change (SIFT: "Deleterious"; PolyPhen-2: "Benign"; Align-GVGD: "Class C0"). In summary, the available evidence is currently insufficient to determine the role of this variant in disease. Therefore, it has been classified as a Variant of Uncertain Significance.

NM_001128840.3(CACNA1D):c.6280C>T (p.Leu2094Phe)

Gene: CACNA1D (calcium voltage-gated channel subunit alpha1 D; plus strand). Cytogenetic location: 3p21.1.
Variant type: single nucleotide variant.
Coding change: c.6280C>T on transcript NM_001128840.3 (MANE Select); coding-DNA position 6280, C replaced by T.
Protein change: p.Leu2094Phe; replaces leucine 2094 with phenylalanine.
Molecular consequence: missense variant.
Genome position (GRCh38, 1-based): chr3:53,811,200, C>T. VCF-style: chr3-53811200-C-T. GRCh37 (hg19) VCF-style: chr3-53845227-C-T.
Other names: c.6340C>T, p.Leu2114Phe (NM_000720.4); c.6208C>T, p.Leu2070Phe (NM_001128839.3); short protein forms L2070F, L2094F, L2114F.
Identifiers: ClinVar variation 2833896 (VCV002833896.3), dbSNP rs2474578172, ClinGen allele CA353259156.
Genomic context (GRCh38, chr3:53,811,200, plus strand): 5'-TATGCAAGGGACCCAAAATTTGTGTCAGCAACAAAACACGAAATCGCTGATGCCTGTGAC[C>T]TCACCATCGACGAGATGGAGAGTGCAGCCAGCACCCTGCTTAATGGGAACGTGCGTCCCC-3'
Protein context (NP_001122312.1, residues 2084-2104): TKHEIADACD[Leu2094Phe]TIDEMESAAS